The following is an entry in ClinVar:

NM_177438.3(DICER1):c.1058G>T (p.Arg353Met)

Gene: DICER1 (dicer 1, ribonuclease III; minus strand). Cytogenetic location: 14q32.13.
Variant type: single nucleotide variant.
Coding change: c.1058G>T on transcript NM_177438.3 (MANE Select); coding-DNA position 1058, G replaced by T.
Protein change: p.Arg353Met; replaces arginine 353 with methionine.
Molecular consequence: missense variant. On other transcripts: 5 prime UTR variant (1), non-coding transcript variant (6).
Genome position (GRCh38, 1-based): chr14:95,124,514, C>A on the plus strand (G>T on the coding strand, the complement: DICER1 is on the minus strand). VCF-style: chr14-95124514-C-A. GRCh37 (hg19) VCF-style: chr14-95590851-C-A.
Other names: c.1058G>T, p.Arg353Met (NM_001395678.1, NM_001395679.1, NM_001195573.1 and 15 more transcripts); c.776G>T, p.Arg259Met (NM_001395686.1); c.653G>T, p.Arg218Met (NM_001395687.1, NM_001395688.1, NM_001395689.1 and 3 more transcripts); c.491G>T, p.Arg164Met (NM_001395691.1); c.-511G>T (NM_001395697.1); short protein forms R353M, R218M, R164M, R259M.
Identifiers: ClinVar variation 2772327 (VCV002772327.3), dbSNP rs2543182655, ClinGen allele CA390887053.
Genomic context (GRCh38, chr14:95,124,514, plus strand): 5'-ACAAATTTCAGGTCAAGTGAGGCAGGTGAGAAGTGCTCTTCACATAGTGCATGTATTTTC[C>A]TTAGGAAAGTGTCTGTAAACAATAAAAATTTCCTGTGCAGCTCCTCTTGCTCATGTTTGA-3'
Protein context (NP_803187.1, residues 343-363): KFLLFTDTFL[Arg353Met]KIHALCEEHF

ClinVar aggregate classification (germline): Uncertain significance (1 of 4 stars; one submission).

Conditions:
DICER1-related tumor predisposition. Also called: DICER1-related pleuropulmonary blastoma cancer predisposition syndrome; DICER1 syndrome. Identifiers: Orphanet 284343, MedGen C3839822, MONDO:0100216.

Submission:

Labcorp Genetics (formerly Invitae), Labcorp
Classification: Uncertain significance for DICER1-related tumor predisposition. Last evaluated: 2023-10-28. Review status: criteria provided, single submitter. Criteria: Invitae Variant Classification Sherloc (09022015). Collection method: clinical testing. Allele origin: germline.
Comment: This sequence change replaces arginine, which is basic and polar, with methionine, which is neutral and non-polar, at codon 353 of the DICER1 protein (p.Arg353Met). This variant is not present in population databases (gnomAD no frequency). This variant has not been reported in the literature in individuals affected with DICER1-related conditions. Advanced modeling of protein sequence and biophysical properties (such as structural, functional, and spatial information, amino acid conservation, physicochemical variation, residue mobility, and thermodynamic stability) performed at Invitae indicates that this missense variant is not expected to disrupt DICER1 protein function with a negative predictive value of 80%. In summary, the available evidence is currently insufficient to determine the role of this variant in disease. Therefore, it has been classified as a Variant of Uncertain Significance.